The following is an entry in ClinVar:

NM_005051.3(QARS1):c.1568G>A (p.Arg523Gln)

Gene: QARS1 (glutaminyl-tRNA synthetase 1; minus strand). Cytogenetic location: 3p21.31.
Variant type: single nucleotide variant.
Coding change: c.1568G>A on transcript NM_005051.3 (MANE Select); coding-DNA position 1568, G replaced by A.
Protein change: p.Arg523Gln; replaces arginine 523 with glutamine.
Molecular consequence: missense variant. On other transcripts: non-coding transcript variant (1).
Genome position (GRCh38, 1-based): chr3:49,099,390, C>T on the plus strand (G>A on the coding strand, the complement: QARS1 is on the minus strand). VCF-style: chr3-49099390-C-T. GRCh37 (hg19) VCF-style: chr3-49136823-C-T.
Other names: c.1568G>A (NM_005051.1); c.1535G>A, p.Arg512Gln (NM_001272073.2); short protein forms R523Q, R512Q.
Identifiers: ClinVar variation 546115 (VCV000546115.17), dbSNP rs201013732, ClinGen allele CA2391704.

ClinVar aggregate classification (germline): Uncertain significance. Review status: criteria provided, multiple submitters, no conflicts (2 of 4 stars). 5 submissions from 5 submitters: Uncertain significance (5). Last evaluated 2025-11-26.

Conditions:
Inborn genetic diseases. Identifiers: MedGen C0950123, MeSH D030342.
Diffuse cerebral and cerebellar atrophy - intractable seizures - progressive microcephaly syndrome. Also called: Microcephaly, progressive, with seizures and cerebral and cerebellar atrophy. Identifiers: Orphanet 404437, MedGen C4014239, MONDO:0014335, OMIM 615760.

Allele frequency attached by ClinVar (database versions not stated): gnomAD exomes 0.00006 and 0.00014; ExAC 0.00012; gnomAD 0.00021 and 0.00025; TOPMed 0.00021; 1000 Genomes Project 30x 0.00062; 1000 Genomes Project 0.00080.
gnomAD v4.1: 134 of 1,614,186 alleles (0.0083%); highest among the groups gnomAD compares: African/African-American, 0.093%; no homozygotes.

Submissions (5):

Ambry Genetics
Classification: Uncertain significance for Inborn genetic diseases. Last evaluated: 2025-11-26. Review status: criteria provided, single submitter. Criteria: Ambry Variant Classification Scheme 2023. Collection method: clinical testing. Allele origin: germline.

GeneDx
Classification: Uncertain significance. Last evaluated: 2024-08-01. Review status: criteria provided, single submitter. Criteria: GeneDx Variant Classification Process June 2021. Collection method: clinical testing. Allele origin: germline. Affected: yes.
Comment: Identified in a patient with epilepsy in published literature; however, a second variant in the QARS1 gene was not identified (PMID: 36539902); In silico analysis supports that this missense variant has a deleterious effect on protein structure/function; This variant is associated with the following publications: (PMID: 25471517, 36539902)

Blueprint Genetics
Classification: Uncertain significance. Last evaluated: 2023-07-26. Review status: criteria provided, single submitter. Criteria: ACMG Guidelines, 2015. Collection method: clinical testing. Allele origin: germline.

Labcorp Genetics (formerly Invitae), Labcorp
Classification: Uncertain significance for Diffuse cerebral and cerebellar atrophy - intractable seizures - progressive microcephaly syndrome. Last evaluated: 2022-10-17. Review status: criteria provided, single submitter. Criteria: Invitae Variant Classification Sherloc (09022015). Collection method: clinical testing. Allele origin: germline.
Comment: This sequence change replaces arginine, which is basic and polar, with glutamine, which is neutral and polar, at codon 523 of the QARS protein (p.Arg523Gln). This variant is present in population databases (rs201013732, gnomAD 0.1%). This variant has not been reported in the literature in individuals affected with QARS-related conditions. ClinVar contains an entry for this variant (Variation ID: 546115). Algorithms developed to predict the effect of missense changes on protein structure and function output the following: SIFT: "Deleterious"; PolyPhen-2: "Benign"; Align-GVGD: "Class C35". The glutamine amino acid residue is found in multiple mammalian species, which suggests that this missense change does not adversely affect protein function. In summary, the available evidence is currently insufficient to determine the role of this variant in disease. Therefore, it has been classified as a Variant of Uncertain Significance.

Mayo Clinic Laboratories, Mayo Clinic
Classification: Uncertain significance. Last evaluated: 2019-05-20. Review status: criteria provided, single submitter. Criteria: ACMG Guidelines, 2015. Collection method: clinical testing. Allele origin: germline. Observed: 1 variant allele.